The following is an entry in ClinVar:

ClinVar aggregate classification (germline): Conflicting classifications of pathogenicity. Review status: criteria provided, conflicting classifications (1 of 4 stars). 3 submissions from 3 submitters: Uncertain significance (1); Benign (1); Likely benign (1). Last evaluated 2025-09-10.

Allele frequency attached by ClinVar (database versions not stated): ExAC 0.00001; gnomAD exomes 0.00002; TOPMed 0.00002.
gnomAD v4.1: 46 of 1,614,034 alleles (0.0029%); highest among the groups gnomAD compares: African/African-American, 0.004%; no homozygotes.

Submissions (3):

Labcorp Genetics (formerly Invitae), Labcorp
Classification: Benign. Last evaluated: 2025-09-10. Review status: criteria provided, single submitter. Criteria: Invitae Variant Classification Sherloc (09022015). Collection method: clinical testing. Allele origin: germline.

CeGaT Center for Human Genetics Tuebingen
Classification: Likely benign. Last evaluated: 2024-02-01. Review status: criteria provided, single submitter. Criteria: CeGaT Center For Human Genetics Tuebingen Variant Classification Criteria Version 2. Collection method: clinical testing. Allele origin: germline. Affected: yes. Observed: 1 variant allele.
Comment: MYH9: BP4, BP7

Eurofins Ntd Llc (ga)
Classification: Uncertain significance. Last evaluated: 2018-08-17. Review status: criteria provided, single submitter. Criteria: EGL ClinVar v180209 classification definitions. Collection method: clinical testing. Allele origin: germline. Observed: 1 variant allele, 1 heterozygote.

NM_002473.6(MYH9):c.108C>T (p.Ser36=)

Gene: MYH9 (myosin heavy chain 9; minus strand). Cytogenetic location: 22q12.3.
Variant type: single nucleotide variant.
Coding change: c.108C>T on transcript NM_002473.6 (MANE Select); coding-DNA position 108, C replaced by T.
Protein change: p.Ser36=; no amino-acid change (serine 36 retained).
Molecular consequence: synonymous variant.
Genome position (GRCh38, 1-based): chr22:36,349,129, G>A on the plus strand (C>T on the coding strand, the complement: MYH9 is on the minus strand). VCF-style: chr22-36349129-G-A. GRCh37 (hg19) VCF-style: chr22-36745174-G-A.
Identifiers: ClinVar variation 598317 (VCV000598317.28), dbSNP rs764743124, ClinGen allele CA10210721.